The following is an entry in ClinVar:

NM_138694.4(PKHD1):c.739A>G (p.Ser247Gly)

Gene: PKHD1 (PKHD1 ciliary IPT domain containing fibrocystin/polyductin; minus strand). Cytogenetic location: 6p12.2.
Variant type: single nucleotide variant.
Coding change: c.739A>G on transcript NM_138694.4 (MANE Select); coding-DNA position 739, A replaced by G.
Protein change: p.Ser247Gly; replaces serine 247 with glycine.
Molecular consequence: missense variant.
Genome position (GRCh38, 1-based): chr6:52,069,496, T>C on the plus strand (A>G on the coding strand, the complement: PKHD1 is on the minus strand). VCF-style: chr6-52069496-T-C. GRCh37 (hg19) VCF-style: chr6-51934294-T-C.
Other names: p.Ser247Gly; c.739A>G, p.Ser247Gly (NM_170724.3); short protein forms S247G.
Identifiers: ClinVar variation 971695 (VCV000971695.15), dbSNP rs747117144, ClinGen allele CA3853786.

ClinVar aggregate classification (germline): Uncertain significance. Review status: criteria provided, multiple submitters, no conflicts (2 of 4 stars). 5 submissions from 5 submitters: Uncertain significance (4). 1 of the submissions does not count toward it. Last evaluated 2026-05-06.

Conditions:
Polycystic kidney disease 4 (PKD4). Also called: Autosomal Recessive Polycystic Kidney Disease – PKHD1; POLYCYSTIC KIDNEY AND HEPATIC DISEASE 1; POLYCYSTIC KIDNEY DISEASE, INFANTILE, TYPE I; PKD3; POLYCYSTIC KIDNEY DISEASE 4 WITH OR WITHOUT POLYCYSTIC LIVER DISEASE. Identifiers: MedGen C4540575, MONDO:0033004, OMIM 263200.
PKHD1-related disorder. Also called: PKHD1-related condition.
Autosomal recessive polycystic kidney disease (ARPKD). Also called: AR polycystic kidney disease. Identifiers: Orphanet 731, Orphanet 8378, MedGen C0085548, MeSH D017044, MONDO:0009889.

Allele frequency attached by ClinVar (database versions not stated): gnomAD 0.00001; TOPMed 0.00001; gnomAD exomes 0.00002 and 0.00005; ExAC 0.00004.
gnomAD v4.1: 14 of 1,613,428 alleles (0.00087%); highest among the groups gnomAD compares: Admixed American, 0.022%; no homozygotes.

Submissions (5):

PreventionGenetics, part of Exact Sciences
Classification: Uncertain significance for PKHD1-related condition. Last evaluated: 2026-05-06. Review status: criteria provided, single submitter. Criteria: ACMG Guidelines, 2015. Collection method: clinical testing. Allele origin: germline.
Comment: The PKHD1 c.739A>G variant is predicted to result in the amino acid substitution p.Ser247Gly. To our knowledge, this variant has not been reported in the literature. This variant is reported in 0.035% of alleles in individuals of Latino descent in gnomAD. At this time, the clinical significance of this variant is uncertain due to the absence of conclusive functional and genetic evidence.

Labcorp Genetics (formerly Invitae), Labcorp
Classification: Uncertain significance for Autosomal recessive polycystic kidney disease. Last evaluated: 2025-01-11. Review status: criteria provided, single submitter. Criteria: Invitae Variant Classification Sherloc (09022015). Collection method: clinical testing. Allele origin: germline.
Comment: This sequence change replaces serine, which is neutral and polar, with glycine, which is neutral and non-polar, at codon 247 of the PKHD1 protein (p.Ser247Gly). This variant is present in population databases (rs747117144, gnomAD 0.04%). This missense change has been observed in individual(s) with clinical features of PKHD1-related conditions (internal data). ClinVar contains an entry for this variant (Variation ID: 971695). Invitae Evidence Modeling of protein sequence and biophysical properties (such as structural, functional, and spatial information, amino acid conservation, physicochemical variation, residue mobility, and thermodynamic stability) indicates that this missense variant is expected to disrupt PKHD1 protein function with a positive predictive value of 95%. In summary, the available evidence is currently insufficient to determine the role of this variant in disease. Therefore, it has been classified as a Variant of Uncertain Significance.

Fulgent Genetics
Classification: Uncertain significance for Polycystic kidney disease 4. Last evaluated: 2024-04-29. Review status: criteria provided, single submitter. Criteria: ACMG Guidelines, 2015. Collection method: clinical testing. Allele origin: germline.

Mayo Clinic Laboratories, Mayo Clinic
Classification: Uncertain significance. Last evaluated: 2024-02-27. Review status: criteria provided, single submitter. Criteria: ACMG Guidelines, 2015. Collection method: clinical testing. Allele origin: germline. Observed: 1 variant allele.

Natera, Inc.
Classification: Uncertain significance for Autosomal recessive polycystic kidney disease. Last evaluated: 2018-09-13. Review status: no assertion criteria provided. Collection method: clinical testing. Allele origin: germline. Not counted in ClinVar's aggregate classification.